The following is an entry in ClinVar:

ClinVar aggregate classification (germline): Benign. Review status: criteria provided, multiple submitters, no conflicts (2 of 4 stars). 2 submissions from 2 submitters: Benign (2). Last evaluated 2018-06-14.

Allele frequency attached by ClinVar (database versions not stated): gnomAD 0.50944 and 0.50834; gnomAD exomes 0.50076 and 0.51793; TOPMed 0.51780; ExAC 0.58127.
gnomAD v4.1: 380,856 of 756,334 alleles (50%); highest among the groups gnomAD compares: Middle Eastern, 56%; 96,630 homozygotes.

Submissions (2):

GeneDx
Classification: Benign. Last evaluated: 2018-06-14. Review status: criteria provided, single submitter. Criteria: GeneDx Variant Classification (06012015). Collection method: clinical testing. Allele origin: germline. Affected: yes.
Comment: This variant is considered likely benign or benign based on one or more of the following criteria: it is a conservative change, it occurs at a poorly conserved position in the protein, it is predicted to be benign by multiple in silico algorithms, and/or has population frequency not consistent with disease.

Breakthrough Genomics
Classification: Benign. Review status: criteria provided, single submitter. Criteria: ACMG Guidelines, 2015. Collection method: not provided. Allele origin: germline. Inheritance: Autosomal recessive inheritance. Affected: yes.

NM_182943.3(PLOD2):c.1128-78A>G

Gene: PLOD2 (procollagen-lysine,2-oxoglutarate 5-dioxygenase 2; minus strand). Cytogenetic location: 3q24.
Variant type: single nucleotide variant.
Coding change: c.1128-78A>G on transcript NM_182943.3 (MANE Select); 78 bases into the intron before coding-DNA position 1128, A replaced by G.
Molecular consequence: intron variant.
Genome position (GRCh38, 1-based): chr3:146,085,351, T>C on the plus strand (A>G on the coding strand, the complement: PLOD2 is on the minus strand). VCF-style: chr3-146085351-T-C. GRCh37 (hg19) VCF-style: chr3-145803138-T-C.
Other names: c.1128-78A>G (NM_000935.3).
Identifiers: ClinVar variation 674928 (VCV000674928.2), dbSNP rs1375583, ClinGen allele CA2655003.